The following is an entry in ClinVar:

ClinVar aggregate classification (germline): Uncertain significance (1 of 4 stars; one submission).

Allele frequency attached by ClinVar (database versions not stated): gnomAD exomes below 0.00001.
gnomAD v4.1: 1 of 1,613,854 alleles (0.000062%); highest among the groups gnomAD compares: Non-Finnish European, 0.000085%; no homozygotes.

Submission:

Labcorp Genetics (formerly Invitae), Labcorp
Classification: Uncertain significance. Last evaluated: 2023-02-08. Review status: criteria provided, single submitter. Criteria: Invitae Variant Classification Sherloc (09022015). Collection method: clinical testing. Allele origin: germline.
Comment: This sequence change replaces histidine, which is basic and polar, with proline, which is neutral and non-polar, at codon 1312 of the C3 protein (p.His1312Pro). In summary, the available evidence is currently insufficient to determine the role of this variant in disease. Therefore, it has been classified as a Variant of Uncertain Significance. Advanced modeling of protein sequence and biophysical properties (such as structural, functional, and spatial information, amino acid conservation, physicochemical variation, residue mobility, and thermodynamic stability) performed at Invitae indicates that this missense variant is not expected to disrupt C3 protein function. ClinVar contains an entry for this variant (Variation ID: 1721617). This variant has not been reported in the literature in individuals affected with C3-related conditions. This variant is not present in population databases (gnomAD no frequency).

NM_000064.4(C3):c.3935A>C (p.His1312Pro)

Gene: C3 (complement C3; minus strand). Cytogenetic location: 19p13.3.
Variant type: single nucleotide variant.
Coding change: c.3935A>C on transcript NM_000064.4 (MANE Select); coding-DNA position 3935, A replaced by C.
Protein change: p.His1312Pro; replaces histidine 1312 with proline.
Molecular consequence: missense variant.
Genome position (GRCh38, 1-based): chr19:6,685,022, T>G on the plus strand (A>C on the coding strand, the complement: C3 is on the minus strand). VCF-style: chr19-6685022-T-G. GRCh37 (hg19) VCF-style: chr19-6685033-T-G.
Other names: short protein forms H1312P.
Identifiers: ClinVar variation 1721617 (VCV001721617.5), dbSNP rs2512233287, ClinGen allele CA403618332.
Genomic context (GRCh38, chr19:6,685,022, plus strand): 5'-AGGAGGGCTTGGCTGGGTGACTGTACCTCTTCTGATCGCAGGAGGCTGGCAGATTCCCAG[T>G]GGATACGGTGGGTGATCTTGGAGCTGCGGCTGGGCAGTTGGAGGGACACATCAAGGTTCA-3'
Protein context (NP_000055.2, residues 1302-1322): SRSSKITHRI[His1312Pro]WESASLLRSE